The following is an entry in ClinVar:

NM_000135.4(FANCA):c.1622C>G (p.Thr541Ser)

Gene: FANCA (FA complementation group A; minus strand). Cytogenetic location: 16q24.3.
Variant type: single nucleotide variant.
Coding change: c.1622C>G on transcript NM_000135.4 (MANE Select); coding-DNA position 1622, C replaced by G.
Protein change: p.Thr541Ser; replaces threonine 541 with serine.
Molecular consequence: missense variant.
Genome position (GRCh38, 1-based): chr16:89,782,863, G>C on the plus strand (C>G on the coding strand, the complement: FANCA is on the minus strand). VCF-style: chr16-89782863-G-C. GRCh37 (hg19) VCF-style: chr16-89849271-G-C.
Other names: c.1622C>G, p.Thr541Ser (NM_001286167.3); short protein forms T541S.
Identifiers: ClinVar variation 5036369 (VCV005036369.1).

ClinVar aggregate classification (germline): Uncertain significance (1 of 4 stars; one submission).

Conditions:
Inborn genetic diseases. Identifiers: MedGen C0950123, MeSH D030342.

gnomAD v4.1: 1 of 1,613,842 alleles (0.000062%); highest among the groups gnomAD compares: Non-Finnish European, 0.000085%; no homozygotes.

Submission:

Ambry Genetics
Classification: Uncertain significance for Inborn genetic diseases. Last evaluated: 2026-07-21. Review status: criteria provided, single submitter. Criteria: Ambry Variant Classification Scheme 2023. Collection method: clinical testing. Allele origin: germline.
Comment: The p.T541S variant (also known as c.1622C>G), located in coding exon 17 of the FANCA gene, results from a C to G substitution at nucleotide position 1622. The threonine at codon 541 is replaced by serine, an amino acid with similar properties. This amino acid position is conserved. In addition, this alteration is predicted to be tolerated by in silico analysis. Based on the available evidence, the clinical significance of this variant remains unclear.